The following is an entry in ClinVar:

ClinVar aggregate classification (germline): Conflicting classifications of pathogenicity. Review status: criteria provided, conflicting classifications (1 of 4 stars). 4 submissions from 4 submitters: Uncertain significance (3); Likely benign (1). Last evaluated 2026-06-01.

Conditions:
Inborn genetic diseases. Identifiers: MedGen C0950123, MeSH D030342.

Allele frequency attached by ClinVar (database versions not stated): gnomAD exomes 0.00001 and 0.00002; gnomAD 0.00002 and 0.00003; TOPMed 0.00003; ExAC 0.00005.
gnomAD v4.1: 30 of 1,181,802 alleles (0.0025%); highest among the groups gnomAD compares: Non-Finnish European, 0.0022%; no homozygotes.

Submissions (4):

CeGaT Center for Human Genetics Tuebingen
Classification: Likely benign. Last evaluated: 2026-06-01. Review status: criteria provided, single submitter. Criteria: CeGaT Center For Human Genetics Tuebingen Variant Classification Criteria Version 2. Collection method: clinical testing. Allele origin: germline. Affected: yes. Observed: 1 variant allele.
Comment: CACNA1F: BS2

Labcorp Genetics (formerly Invitae), Labcorp
Classification: Uncertain significance. Last evaluated: 2025-04-28. Review status: criteria provided, single submitter. Criteria: Invitae Variant Classification Sherloc (09022015). Collection method: clinical testing. Allele origin: germline.
Comment: This sequence change replaces arginine, which is basic and polar, with cysteine, which is neutral and slightly polar, at codon 450 of the CACNA1F protein (p.Arg450Cys). The frequency data for this variant in the population databases is considered unreliable, as metrics indicate poor data quality at this position in the gnomAD database. This variant has not been reported in the literature in individuals affected with CACNA1F-related conditions. ClinVar contains an entry for this variant (Variation ID: 937268). An algorithm developed to predict the effect of missense changes on protein structure and function (PolyPhen-2) suggests that this variant is likely to be disruptive. In summary, the available evidence is currently insufficient to determine the role of this variant in disease. Therefore, it has been classified as a Variant of Uncertain Significance.

Blueprint Genetics
Classification: Uncertain significance. Last evaluated: 2022-09-05. Review status: criteria provided, single submitter. Criteria: ACMG Guidelines, 2015. Collection method: clinical testing. Allele origin: germline.

Ambry Genetics
Classification: Uncertain significance for Inborn genetic diseases. Last evaluated: 2022-08-05. Review status: criteria provided, single submitter. Criteria: Ambry Variant Classification Scheme 2023. Collection method: clinical testing. Allele origin: germline.

NM_001256789.3(CACNA1F):c.1315C>T (p.Arg439Cys)

Gene: CACNA1F (calcium voltage-gated channel subunit alpha1 F; minus strand). Cytogenetic location: Xp11.23.
Variant type: single nucleotide variant.
Coding change: c.1315C>T on transcript NM_001256789.3 (MANE Select); coding-DNA position 1315, C replaced by T.
Protein change: p.Arg439Cys; replaces arginine 439 with cysteine.
Molecular consequence: missense variant.
Genome position (GRCh38, 1-based): chrX:49,226,664, G>A on the plus strand (C>T on the coding strand, the complement: CACNA1F is on the minus strand). VCF-style: chrX-49226664-G-A. GRCh37 (hg19) VCF-style: chrX-49083126-G-A.
Other names: c.1153C>T, p.Arg385Cys (NM_001256790.3); c.1348C>T, p.Arg450Cys (NM_005183.4); c.1348C>T (NM_005183.2); short protein forms R385C, R439C, R450C.
Identifiers: ClinVar variation 937268 (VCV000937268.13), dbSNP rs782649560, ClinGen allele CA10410896.